The following is an entry in ClinVar:

NM_001042492.3(NF1):c.6488T>C (p.Leu2163Ser)

Gene: NF1 (neurofibromin 1; plus strand). Cytogenetic location: 17q11.2.
Variant type: single nucleotide variant.
Coding change: c.6488T>C on transcript NM_001042492.3 (MANE Select); coding-DNA position 6488, T replaced by C.
Protein change: p.Leu2163Ser; replaces leucine 2163 with serine.
Molecular consequence: missense variant.
Genome position (GRCh38, 1-based): chr17:31,337,428, T>C. VCF-style: chr17-31337428-T-C. GRCh37 (hg19) VCF-style: chr17-29664446-T-C.
Other names: c.6425T>C, p.Leu2142Ser (NM_000267.4); short protein forms L2163S, L2142S.
Identifiers: ClinVar variation 837147 (VCV000837147.9), dbSNP rs1353492847, ClinGen allele CA399013121.

ClinVar aggregate classification (germline): Uncertain significance. Review status: criteria provided, multiple submitters, no conflicts (2 of 4 stars). 2 submissions from 2 submitters: Uncertain significance (2). Last evaluated 2023-12-26.

Conditions:
Hereditary cancer-predisposing syndrome. Also called: Neoplastic Syndromes, Hereditary; Hereditary neoplastic syndrome; Tumor predisposition; Hereditary Cancer Syndrome. Identifiers: Orphanet 140162, MedGen C0027672, MeSH D009386, MONDO:0015356.
Cardiovascular phenotype. Identifiers: MedGen CN230736.
Neurofibromatosis, type 1 (NF1). Also called: Peripheral type neurofibromatosis; Neurofibromatosis, type I; VON RECKLINGHAUSEN DISEASE; NEUROFIBROMATOSIS, TYPE I, SOMATIC. Identifiers: Orphanet 636, MedGen C0027831, MONDO:0018975, OMIM 162200. Disease mechanism: loss of function.

Allele frequency attached by ClinVar (database versions not stated): gnomAD exomes below 0.00001.
gnomAD v4.1: 1 of 1,614,172 alleles (0.000062%); highest among the groups gnomAD compares: Non-Finnish European, 0.000085%; no homozygotes.

Submissions (2):

Labcorp Genetics (formerly Invitae), Labcorp
Classification: Uncertain significance for Neurofibromatosis, type 1. Last evaluated: 2023-12-26. Review status: criteria provided, single submitter. Criteria: Invitae Variant Classification Sherloc (09022015). Collection method: clinical testing. Allele origin: germline.
Comment: This sequence change replaces leucine, which is neutral and non-polar, with serine, which is neutral and polar, at codon 2142 of the NF1 protein (p.Leu2142Ser). This variant is not present in population databases (gnomAD no frequency). This variant has not been reported in the literature in individuals affected with NF1-related conditions. ClinVar contains an entry for this variant (Variation ID: 837147). Advanced modeling of protein sequence and biophysical properties (such as structural, functional, and spatial information, amino acid conservation, physicochemical variation, residue mobility, and thermodynamic stability) performed at Invitae indicates that this missense variant is expected to disrupt NF1 protein function with a positive predictive value of 95%. In summary, the available evidence is currently insufficient to determine the role of this variant in disease. Therefore, it has been classified as a Variant of Uncertain Significance.

Ambry Genetics
Classification: Uncertain significance for Cardiovascular phenotype; Hereditary cancer-predisposing syndrome. Last evaluated: 2020-05-20. Review status: criteria provided, single submitter. Criteria: Ambry Variant Classification Scheme 2023. Collection method: clinical testing. Allele origin: germline.
Comment: The p.L2142S variant (also known as c.6425T>C), located in coding exon 42 of the NF1 gene, results from a T to C substitution at nucleotide position 6425. The leucine at codon 2142 is replaced by serine, an amino acid with dissimilar properties. This amino acid position is highly conserved in available vertebrate species. In addition, this alteration is predicted to be deleterious by in silico analysis. Since supporting evidence is limited at this time, the clinical significance of this alteration remains unclear.